The following is an entry in ClinVar:

NM_001242957.3(MAK):c.1366_1367del (p.Lys456fs)

Gene: MAK (male germ cell associated kinase; minus strand). Cytogenetic location: 6p24.2.
Variant type: Deletion.
Coding change: c.1366_1367del on transcript NM_001242957.3 (MANE Select); coding-DNA positions 1366 to 1367, 2 bases deleted (AA; older notation c.1366_1367delAA).
Protein change: p.Lys456fs; shifts the reading frame from lysine 456.
Molecular consequence: frameshift variant. On other transcripts: non-coding transcript variant (2).
Genome position (GRCh38, 1-based): chr6:10,784,522-10,784,523, TT deleted on the plus strand (AA on the coding strand, the reverse complement: MAK is on the minus strand). VCF-style (leftmost placement, unchanged base first): chr6-10784521-CTT-C. GRCh37 (hg19) VCF-style: chr6-10784754-CTT-C.
Other names: c.1366_1367del, p.Lys456fs (NM_001242385.2, NM_005906.6); c.1264_1265del, p.Lys422fs (NM_001377262.1); short protein forms K456fs, K422fs.
Identifiers: ClinVar variation 809877 (VCV000809877.48), dbSNP rs935003657, ClinGen allele CA134107832.

ClinVar aggregate classification (germline): Pathogenic/Likely pathogenic. Review status: criteria provided, multiple submitters, no conflicts (2 of 4 stars). 2 submissions from 2 submitters: Pathogenic (1); Likely pathogenic (1). Last evaluated 2024-03-13.

Allele frequency attached by ClinVar (database versions not stated): gnomAD exomes below 0.00001 and 0.00001; TOPMed 0.00001.

Submissions (2):

Labcorp Genetics (formerly Invitae), Labcorp
Classification: Pathogenic. Last evaluated: 2024-03-13. Review status: criteria provided, single submitter. Criteria: Invitae Variant Classification Sherloc (09022015). Collection method: clinical testing. Allele origin: germline.
Comment: This sequence change creates a premature translational stop signal (p.Lys456Glufs*11) in the MAK gene. It is expected to result in an absent or disrupted protein product. Loss-of-function variants in MAK are known to be pathogenic (PMID: 21148103, 21825139, 24938718, 29781741). This variant is present in population databases (no rsID available, gnomAD 0.0009%). This variant has not been reported in the literature in individuals affected with MAK-related conditions. ClinVar contains an entry for this variant (Variation ID: 809877). For these reasons, this variant has been classified as Pathogenic.

CeGaT Center for Human Genetics Tuebingen
Classification: Likely pathogenic. Last evaluated: 2018-06-01. Review status: criteria provided, single submitter. Criteria: CeGaT Center For Human Genetics Tuebingen Variant Classification Criteria Version 2. Collection method: clinical testing. Allele origin: germline. Affected: yes. Observed: 1 variant allele.

Literature cited by the submitters: PubMed 21148103 (cited by Labcorp Genetics (formerly Invitae), Labcorp); PubMed 21825139 (cited by Labcorp Genetics (formerly Invitae), Labcorp); PubMed 24938718 (cited by Labcorp Genetics (formerly Invitae), Labcorp); PubMed 29781741 (cited by Labcorp Genetics (formerly Invitae), Labcorp).